The following is an entry in ClinVar:

NM_006031.6(PCNT):c.4130A>T (p.Gln1377Leu)

Gene: PCNT (pericentrin; plus strand). Cytogenetic location: 21q22.3.
Variant type: single nucleotide variant.
Coding change: c.4130A>T on transcript NM_006031.6 (MANE Select); coding-DNA position 4130, A replaced by T.
Protein change: p.Gln1377Leu; replaces glutamine 1377 with leucine.
Molecular consequence: missense variant.
Genome position (GRCh38, 1-based): chr21:46,391,290, A>T. VCF-style: chr21-46391290-A-T. GRCh37 (hg19) VCF-style: chr21-47811205-A-T.
Other names: c.3776A>T, p.Gln1259Leu (NM_001315529.2); short protein forms Q1259L, Q1377L.
Identifiers: ClinVar variation 4999431 (VCV004999431.1).

ClinVar aggregate classification (germline): Uncertain significance (1 of 4 stars; one submission).

Conditions:
PCNT-related disorder. Also called: PCNT-related condition.

Submission:

PreventionGenetics, part of Exact Sciences
Classification: Uncertain significance for PCNT-related condition. Last evaluated: 2026-04-15. Review status: criteria provided, single submitter. Criteria: ACMG Guidelines, 2015. Collection method: clinical testing. Allele origin: germline.
Comment: The PCNT c.4130A>T variant is predicted to result in the amino acid substitution p.Gln1377Leu. To our knowledge, this variant has not been reported in the literature or in a large population database (gnomAD), indicating this variant is rare. At this time, the clinical significance of this variant is uncertain due to the absence of conclusive functional and genetic evidence.